The following is an entry in ClinVar:

ClinVar aggregate classification (germline): Conflicting classifications of pathogenicity. Review status: criteria provided, conflicting classifications (1 of 4 stars). 3 submissions from 3 submitters: Uncertain significance (2); Likely benign (1). Last evaluated 2026-01-13.

Conditions:
Noonan syndrome 9 (NS9). Identifiers: Orphanet 648, MedGen C4225282, MONDO:0014691, OMIM 616559.

Allele frequency attached by ClinVar (database versions not stated): gnomAD 0.00001; TOPMed 0.00001.

Submissions (3):

Labcorp Genetics (formerly Invitae), Labcorp
Classification: Likely benign for Noonan syndrome 9. Last evaluated: 2026-01-13. Review status: criteria provided, single submitter. Criteria: Invitae Variant Classification Sherloc (09022015). Collection method: clinical testing. Allele origin: germline.

GeneDx
Classification: Uncertain significance. Last evaluated: 2023-01-21. Review status: criteria provided, single submitter. Criteria: GeneDx Variant Classification Process June 2021. Collection method: clinical testing. Allele origin: germline. Affected: yes.
Comment: In silico analysis supports that this missense variant does not alter protein structure/function; Has not been previously published as pathogenic or benign to our knowledge

Genome-Nilou Lab
Classification: Uncertain significance for Noonan syndrome 9. Review status: criteria provided, single submitter. Criteria: ACMG Guidelines, 2015. Collection method: clinical testing. Allele origin: germline.

NM_006939.4(SOS2):c.2443A>G (p.Asn815Asp)

Gene: SOS2 (SOS Ras/Rho guanine nucleotide exchange factor 2; minus strand). Cytogenetic location: 14q21.3.
Variant type: single nucleotide variant.
Coding change: c.2443A>G on transcript NM_006939.4 (MANE Select); coding-DNA position 2443, A replaced by G.
Protein change: p.Asn815Asp; replaces asparagine 815 with aspartic acid.
Molecular consequence: missense variant.
Genome position (GRCh38, 1-based): chr14:50,145,538, T>C on the plus strand (A>G on the coding strand, the complement: SOS2 is on the minus strand). VCF-style: chr14-50145538-T-C. GRCh37 (hg19) VCF-style: chr14-50612256-T-C.
Other names: short protein forms N815D.
Identifiers: ClinVar variation 280818 (VCV000280818.10), dbSNP rs886041958, ClinGen allele CA10603318.